The following is an entry in ClinVar:

ClinVar aggregate classification (germline): Uncertain significance (1 of 4 stars; one submission).

Submission:

Labcorp Genetics (formerly Invitae), Labcorp
Classification: Uncertain significance. Last evaluated: 2022-06-20. Review status: criteria provided, single submitter. Criteria: Invitae Variant Classification Sherloc (09022015). Collection method: clinical testing. Allele origin: germline.
Comment: This variant has not been reported in the literature in individuals affected with PRKCSH-related conditions. This variant is not present in population databases (gnomAD no frequency). This sequence change replaces leucine, which is neutral and non-polar, with methionine, which is neutral and non-polar, at codon 40 of the PRKCSH protein (p.Leu40Met). In summary, the available evidence is currently insufficient to determine the role of this variant in disease. Therefore, it has been classified as a Variant of Uncertain Significance. Algorithms developed to predict the effect of missense changes on protein structure and function are either unavailable or do not agree on the potential impact of this missense change (SIFT: "Deleterious"; PolyPhen-2: "Probably Damaging"; Align-GVGD: "Class C0").

NM_001289104.2(PRKCSH):c.118C>A (p.Leu40Met)

Gene: PRKCSH (PRKCSH beta subunit of glucosidase II; plus strand). Cytogenetic location: 19p13.2.
Variant type: single nucleotide variant.
Coding change: c.118C>A on transcript NM_001289104.2 (MANE Select); coding-DNA position 118, C replaced by A.
Protein change: p.Leu40Met; replaces leucine 40 with methionine.
Molecular consequence: missense variant.
Genome position (GRCh38, 1-based): chr19:11,436,427, C>A. VCF-style: chr19-11436427-C-A. GRCh37 (hg19) VCF-style: chr19-11547248-C-A.
Other names: c.118C>A, p.Leu40Met (NM_001001329.3, NM_001289102.2, NM_001289103.2 and 3 more transcripts); short protein forms L40M.
Identifiers: ClinVar variation 2008610 (VCV002008610.4), dbSNP rs1034713294, ClinGen allele CA404131218.